The following is an entry in ClinVar:

ClinVar aggregate classification (germline): Uncertain significance (1 of 4 stars; one submission).

gnomAD v4.1: 1 of 1,614,164 alleles (0.000062%); highest among the groups gnomAD compares: Non-Finnish European, 0.000085%; no homozygotes.

Submission:

GeneDx
Classification: Uncertain significance. Last evaluated: 2020-02-13. Review status: criteria provided, single submitter. Criteria: GeneDx Variant Classification Process June 2021. Collection method: clinical testing. Allele origin: germline. Affected: yes.
Comment: Not observed in large population cohorts (Lek et al., 2016); In silico analysis supports that this missense variant has a deleterious effect on protein structure/function; Has not been previously published as pathogenic or benign to our knowledge

NM_002291.3(LAMB1):c.2126A>G (p.Tyr709Cys)

Gene: LAMB1 (laminin subunit beta 1; minus strand). Cytogenetic location: 7q31.1.
Variant type: single nucleotide variant.
Coding change: c.2126A>G on transcript NM_002291.3 (MANE Select); coding-DNA position 2126, A replaced by G.
Protein change: p.Tyr709Cys; replaces tyrosine 709 with cysteine.
Molecular consequence: missense variant.
Genome position (GRCh38, 1-based): chr7:107,960,633, T>C on the plus strand (A>G on the coding strand, the complement: LAMB1 is on the minus strand). VCF-style: chr7-107960633-T-C. GRCh37 (hg19) VCF-style: chr7-107601078-T-C.
Other names: short protein forms Y709C.
Identifiers: ClinVar variation 1315430 (VCV001315430.2), dbSNP rs2150428038, ClinGen allele CA368869132.